The following is an entry in ClinVar:

NM_000693.4(ALDH1A3):c.1004T>A (p.Val335Glu)

Genes: ALDH1A3 (aldehyde dehydrogenase 1 family member A3; plus strand), ALDH1A3-AS1 (ALDH1A3 antisense RNA 1; minus strand). Cytogenetic location: 15q26.3.
Variant type: single nucleotide variant.
Coding change: c.1004T>A on transcript NM_000693.4 (MANE Select); coding-DNA position 1004, T replaced by A.
Protein change: p.Val335Glu; replaces valine 335 with glutamic acid.
Molecular consequence: missense variant.
Genome position (GRCh38, 1-based): chr15:100,900,695, T>A. VCF-style: chr15-100900695-T-A. GRCh37 (hg19) VCF-style: chr15-101440900-T-A.
Other names: c.683T>A, p.Val228Glu (NM_001293815.2); short protein forms V228E, V335E.
Identifiers: ClinVar variation 4854276 (VCV004854276.1).
Genomic context (GRCh38, chr15:100,900,695, plus strand): 5'-CGGCAGCCTCCAGGGTGTTCGTGGAGGAGCAGGTCTACTCTGAGTTTGTCAGGCGGAGCG[T>A]GGAGTATGCCAAGAAACGGCCCGTGGGAGACCCCTTCGATGTCAAAACAGAACAGGGGCC-3'
Protein context (NP_000684.2, residues 325-345): QVYSEFVRRS[Val335Glu]EYAKKRPVGD

ClinVar aggregate classification (germline): Uncertain significance (1 of 4 stars; one submission).

Conditions:
Isolated microphthalmia 8. Identifiers: Orphanet 2542, MedGen C3554524, MONDO:0014050, OMIM 615113.

Submission:

3billion
Classification: Uncertain significance for Isolated microphthalmia 8. Last evaluated: 2025-09-04. Review status: criteria provided, single submitter. Criteria: ACMG Guidelines, 2015. Collection method: clinical testing. Allele origin: germline. Affected: yes.
Comment: The variant is not observed in the gnomAD v4.1.0 dataset. Predicted Consequence/Location: Missense variant Damaging effect on gene or gene product predicted by in silico programs is uncertain [REVEL: 0.40 (damaging >=0.6, benign <0.4), 3Cnet: 0.24 (damaging >0.75, benign <0.1)]. Therefore, this variant is classified as VUS according to the recommendation of ACMG/AMP guideline.